The following is an entry in ClinVar:

NM_015909.4(NBAS):c.5596G>A (p.Val1866Ile)

Gene: NBAS (NBAS subunit of NRZ tethering complex; minus strand). Cytogenetic location: 2p24.3.
Variant type: single nucleotide variant.
Coding change: c.5596G>A on transcript NM_015909.4 (MANE Select); coding-DNA position 5596, G replaced by A.
Protein change: p.Val1866Ile; replaces valine 1866 with isoleucine.
Molecular consequence: missense variant. On other transcripts: non-coding transcript variant (1).
Genome position (GRCh38, 1-based): chr2:15,275,612, C>T on the plus strand (G>A on the coding strand, the complement: NBAS is on the minus strand). VCF-style: chr2-15275612-C-T. GRCh37 (hg19) VCF-style: chr2-15415736-C-T.
Other names: c.5596G>A (NM_015909.2); short protein forms V1866I.
Identifiers: ClinVar variation 1586738 (VCV001586738.14), dbSNP rs574477358, ClinGen allele CA1535263.

ClinVar aggregate classification (germline): Benign/Likely benign. Review status: criteria provided, multiple submitters, no conflicts (2 of 4 stars). 6 submissions from 6 submitters: Benign (1); Likely benign (5). Last evaluated 2026-05-10.

Conditions:
NBAS-related disorder. Also called: NBAS-related condition.
Inborn genetic diseases. Identifiers: MedGen C0950123, MeSH D030342.
Short stature-optic atrophy-Pelger-Huët anomaly syndrome. Also called: Short stature-optic atrophy-Pelger-HuC+t anomaly syndrome; Short stature, optic nerve atrophy, and Pelger-Huet anomaly. Identifiers: Orphanet 391677, MedGen C3541319, MONDO:0013889, OMIM 614800.
Infantile liver failure syndrome 2 (ILFS2). Identifiers: MedGen C3809651, MONDO:0014659, OMIM 616483.

Allele frequency attached by ClinVar (database versions not stated): TOPMed 0.00001; gnomAD 0.00009; gnomAD exomes 0.00024 and 0.00043; 1000 Genomes Project 0.00040; 1000 Genomes Project 30x 0.00047; ExAC 0.00055.
gnomAD v4.1: 363 of 1,614,142 alleles (0.022%); highest among the groups gnomAD compares: South Asian, 0.38%; 6 homozygotes.

Submissions (6):

PreventionGenetics, part of Exact Sciences
Classification: Likely benign for NBAS-related condition. Last evaluated: 2026-05-10. Review status: criteria provided, single submitter. Criteria: ACMG Guidelines, 2015. Collection method: clinical testing. Allele origin: germline.
Comment: This variant is classified as likely benign based on ACMG/AMP sequence variant interpretation guidelines (Richards et al. 2015 PMID: 25741868, with internal and published modifications).

CeGaT Center for Human Genetics Tuebingen
Classification: Likely benign. Last evaluated: 2026-05-01. Review status: criteria provided, single submitter. Criteria: CeGaT Center For Human Genetics Tuebingen Variant Classification Criteria Version 2. Collection method: clinical testing. Allele origin: germline. Affected: yes. Observed: 1 variant allele.
Comment: NBAS: BP4

Labcorp Genetics (formerly Invitae), Labcorp
Classification: Benign. Last evaluated: 2026-01-28. Review status: criteria provided, single submitter. Criteria: Invitae Variant Classification Sherloc (09022015). Collection method: clinical testing. Allele origin: germline.

Ambry Genetics
Classification: Likely benign for Inborn genetic diseases. Last evaluated: 2025-05-18. Review status: criteria provided, single submitter. Criteria: Ambry Variant Classification Scheme 2023. Collection method: clinical testing. Allele origin: germline.

Blueprint Genetics
Classification: Likely benign. Last evaluated: 2023-07-18. Review status: criteria provided, single submitter. Criteria: ACMG Guidelines, 2015. Collection method: clinical testing. Allele origin: germline.

Fulgent Genetics
Classification: Likely benign for Short stature-optic atrophy-Pelger-Huët anomaly syndrome; Infantile liver failure syndrome 2. Last evaluated: 2021-07-24. Review status: criteria provided, single submitter. Criteria: ACMG Guidelines, 2015. Collection method: clinical testing. Allele origin: unknown.